The following is an entry in ClinVar:

ClinVar aggregate classification (germline): Uncertain significance (1 of 4 stars; one submission).

Conditions:
Fabry disease. Also called: ALPHA-GALACTOSIDASE A DEFICIENCY; ANDERSON-FABRY DISEASE; CERAMIDE TRIHEXOSIDASE DEFICIENCY; GLA DEFICIENCY; HEREDITARY DYSTOPIC LIPIDOSIS; Angiokeratoma corporis diffusum. Identifiers: Orphanet 324, MedGen C0002986, MONDO:0010526, OMIM 301500, HP:0001071. Disease mechanism: Fabry disease is due to inactivating mutations in the X-linked GLA gene resulting in deficiency of the enzyme Alpha Galactosidase-A., loss of function.

gnomAD v4.1: 2 of 1,207,131 alleles (0.00017%); highest among the groups gnomAD compares: Non-Finnish European, 0.00022%; no homozygotes.

Submission:

Genomenon, Inc
Classification: Uncertain significance for Fabry disease. Last evaluated: 2026-09-08. Review status: criteria provided, single submitter. Criteria: Genomenon Sequence Variant Interpretation Standards - Updated. Collection method: curation. Allele origin: germline. Affected: no.
Comment: GLA p.Ser405Arg (c.1213A>C) is a missense variant that changes the amino acid at codon 405 from Serine to Arginine. This variant has been reported in the published literature (PMID:23935525;32023956;27657681). It is absent or not present at a significant frequency in gnomAD. In conclusion, we classify GLA p.Ser405Arg (c.1213A>C) as a variant of uncertain significance.

Literature cited by the submitters: PubMed 23935525; PubMed 32023956; PubMed 27657681.

NM_000169.3(GLA):c.1213A>C (p.Ser405Arg)

Genes: GLA (galactosidase alpha; minus strand), RPL36A-HNRNPH2 (RPL36A-HNRNPH2 readthrough; plus strand). Cytogenetic location: Xq22.1.
Variant type: single nucleotide variant.
Coding change: c.1213A>C on transcript NM_000169.3 (MANE Select); coding-DNA position 1213, A replaced by C.
Protein change: p.Ser405Arg; replaces serine 405 with arginine.
Molecular consequence: missense variant. On other transcripts: non-coding transcript variant (3), intron variant (2).
Genome position (GRCh38, 1-based): chrX:101,397,886, T>G on the plus strand (A>C on the coding strand, the complement: GLA is on the minus strand). VCF-style: chrX-101397886-T-G. GRCh37 (hg19) VCF-style: chrX-100652874-T-G.
Other names: c.1336A>C, p.Ser446Arg (NM_001406747.1); c.300+2429T>G (NM_001199973.2); c.177+6064T>G (NM_001199974.2); short protein forms S405R, S446R.
Identifiers: ClinVar variation 4087659 (VCV004087659.2).